The following is an entry in ClinVar:

NM_006180.6(NTRK2):c.1200T>C (p.Tyr400=)

Gene: NTRK2 (neurotrophic receptor tyrosine kinase 2; plus strand). Cytogenetic location: 9q21.33.
Variant type: single nucleotide variant.
Coding change: c.1200T>C on transcript NM_006180.6 (MANE Select); coding-DNA position 1200, T replaced by C.
Protein change: p.Tyr400=; no amino-acid change (tyrosine 400 retained).
Molecular consequence: synonymous variant.
Genome position (GRCh38, 1-based): chr9:84,744,977, T>C. VCF-style: chr9-84744977-T-C. GRCh37 (hg19) VCF-style: chr9-87359892-T-C.
Other names: c.1200T>C, p.Tyr400= (NM_001007097.3, NM_001018064.3, NM_001018065.2 and 15 more transcripts); c.1161T>C, p.Tyr387= (NM_001291937.2, NM_001369546.1); c.1164T>C, p.Tyr388= (NM_001369534.1); c.732T>C, p.Tyr244= (NM_001369535.1, NM_001369536.1, NM_001369550.1 and 2 more transcripts).
Identifiers: ClinVar variation 747232 (VCV000747232.10), dbSNP rs750638825, ClinGen allele CA5105672.

ClinVar aggregate classification (germline): Likely benign. Review status: criteria provided, multiple submitters, no conflicts (2 of 4 stars). 3 submissions from 3 submitters: Likely benign (2). 1 of the submissions does not count toward it. Last evaluated 2025-08-11.

Conditions:
NTRK2-related disorder. Also called: NTRK2-related condition.

Allele frequency attached by ClinVar (database versions not stated): gnomAD 0.00003 and 0.00004; TOPMed 0.00003; ExAC 0.00006; gnomAD exomes 0.00006 and 0.00004.
gnomAD v4.1: 68 of 1,612,796 alleles (0.0042%); highest among the groups gnomAD compares: South Asian, 0.059%; 1 homozygote.

Submissions (3):

Labcorp Genetics (formerly Invitae), Labcorp
Classification: Likely benign. Last evaluated: 2025-08-11. Review status: criteria provided, single submitter. Criteria: Invitae Variant Classification Sherloc (09022015). Collection method: clinical testing. Allele origin: germline.

Blueprint Genetics
Classification: Likely benign. Last evaluated: 2024-09-11. Review status: criteria provided, single submitter. Criteria: ACMG Guidelines, 2015. Collection method: clinical testing. Allele origin: germline.

PreventionGenetics, part of Exact Sciences
Classification: Likely benign for NTRK2-related condition. Last evaluated: 2019-09-13. Review status: no assertion criteria provided. Collection method: clinical testing. Allele origin: germline. Not counted in ClinVar's aggregate classification.
Comment: This variant is classified as likely benign based on ACMG/AMP sequence variant interpretation guidelines (Richards et al. 2015 PMID: 25741868, with internal and published modifications).